The following is an entry in ClinVar:

ClinVar aggregate classification (germline): Pathogenic (1 of 4 stars; one submission).

Conditions:
Autosomal recessive nonsyndromic hearing loss 3. Also called: NEUROSENSORY NONSYNDROMIC RECESSIVE DEAFNESS 3. Identifiers: Orphanet 90636, MedGen C1838263, MONDO:0010860, OMIM 600316.

Submission:

Institute of Rare Diseases, West China Hospital, Sichuan University
Classification: Pathogenic for Autosomal recessive nonsyndromic hearing loss 3. Last evaluated: 2025-01-09. Review status: criteria provided, single submitter. Criteria: ClinGen HL ACMG Specifications v1. Collection method: research. Allele origin: germline. Affected: yes.
Comment: PVS1;PM3_Supporting;PM2_Supporting

NM_016239.4(MYO15A):c.7033del (p.Asp2346fs)

Gene: MYO15A (myosin XVA; plus strand). Cytogenetic location: 17p11.2.
Variant type: Deletion.
Coding change: c.7033del on transcript NM_016239.4 (MANE Select); coding-DNA position 7033, one base deleted (C; older notation c.7033delC).
Protein change: p.Asp2346fs; shifts the reading frame from aspartic acid 2346.
Molecular consequence: frameshift variant.
Genome position (GRCh38, 1-based): chr17:18,149,292, C deleted. VCF-style (leftmost placement, unchanged base first): chr17-18149291-AC-A. GRCh37 (hg19) VCF-style: chr17-18052605-AC-A.
Other names: short protein forms D2346fs.
Identifiers: ClinVar variation 3601386 (VCV003601386.1).